The following is an entry in ClinVar:

ClinVar aggregate classification (germline): other (0 of 4 stars; one submission).

Conditions:
Familial colorectal cancer. Identifiers: MedGen CN280943, MONDO:0023113. Disease mechanism: loss of function.

Submission:

Systems Biology Platform Zhejiang California International NanoSystems Institute
Classification: other for Familial colorectal cancer. Review status: no assertion criteria provided. Collection method: not provided. Allele origin: unknown.
ClinVar note: Converted during submission from cancer to other.

NM_000038.6(APC):c.934-508T>C

Gene: APC (APC regulator of WNT signaling pathway; plus strand). Cytogenetic location: 5q22.2.
Variant type: single nucleotide variant.
Coding change: c.934-508T>C on transcript NM_000038.6 (MANE Select); 508 bases into the intron before coding-DNA position 934, T replaced by C.
Molecular consequence: intron variant.
Genome position (GRCh38, 1-based): chr5:112,818,458, T>C. VCF-style: chr5-112818458-T-C. GRCh37 (hg19) VCF-style: chr5-112154155-T-C.
Other names: c.934-508T>C (NM_001354895.2, NM_001127510.3, NM_001354896.2); c.964-508T>C (NM_001354897.2); c.964-811T>C (NM_001354902.2); c.880-508T>C (NM_001127511.3); c.859-508T>C (NM_001354898.2); c.859-811T>C (NM_001354904.2); c.85-508T>C (NM_001354906.2); c.934-811T>C (NM_001354903.2); and 3 more.
Identifiers: ClinVar variation 83120 (VCV000083120.2), dbSNP rs78373307, ClinGen allele CA015903.
Genomic context (GRCh38, chr5:112,818,458, plus strand): 5'-GCATTTTCCTTTTTATGACAAAATGTTTTTAAATTTATAATCGTATAATTTTAATAATAT[T>C]ATCATCTGACGAGAATTAATGATTGCTGAGAATTAGTACTTAAAATTGTTGCAGAAATGT-3'